The following is an entry in ClinVar:

ClinVar aggregate classification (germline): Uncertain significance (1 of 4 stars; one submission).

Allele frequency attached by ClinVar (database versions not stated): TOPMed below 0.00001; ExAC 0.00001; gnomAD exomes 0.00004; gnomAD 0.00001.
gnomAD v4.1: 58 of 1,613,514 alleles (0.0036%); highest among the groups gnomAD compares: Non-Finnish European, 0.0048%; no homozygotes.

Submission:

Labcorp Genetics (formerly Invitae), Labcorp
Classification: Uncertain significance. Last evaluated: 2025-02-10. Review status: criteria provided, single submitter. Criteria: Invitae Variant Classification Sherloc (09022015). Collection method: clinical testing. Allele origin: germline.
Comment: This sequence change replaces methionine, which is neutral and non-polar, with threonine, which is neutral and polar, at codon 891 of the ANKRD26 protein (p.Met891Thr). This variant is present in population databases (rs777504401, gnomAD 0.005%). This variant has not been reported in the literature in individuals affected with ANKRD26-related conditions. ClinVar contains an entry for this variant (Variation ID: 2889640). An algorithm developed to predict the effect of missense changes on protein structure and function outputs the following: PolyPhen-2: "Benign". The threonine amino acid residue is found in multiple mammalian species, which suggests that this missense change does not adversely affect protein function. In summary, the available evidence is currently insufficient to determine the role of this variant in disease. Therefore, it has been classified as a Variant of Uncertain Significance.

NM_014915.3(ANKRD26):c.2672T>C (p.Met891Thr)

Gene: ANKRD26 (ankyrin repeat domain 26; minus strand). Cytogenetic location: 10p12.1.
Variant type: single nucleotide variant.
Coding change: c.2672T>C on transcript NM_014915.3 (MANE Select); coding-DNA position 2672, T replaced by C.
Protein change: p.Met891Thr; replaces methionine 891 with threonine.
Molecular consequence: missense variant.
Genome position (GRCh38, 1-based): chr10:27,037,211, A>G on the plus strand (T>C on the coding strand, the complement: ANKRD26 is on the minus strand). VCF-style: chr10-27037211-A-G. GRCh37 (hg19) VCF-style: chr10-27326140-A-G.
Other names: c.2669T>C, p.Met890Thr (NM_001256053.2); short protein forms M890T, M891T.
Identifiers: ClinVar variation 2889640 (VCV002889640.3), dbSNP rs777504401, ClinGen allele CA5448177.